The following is an entry in ClinVar:

ClinVar aggregate classification (germline): Uncertain significance. Review status: criteria provided, multiple submitters, no conflicts (2 of 4 stars). 2 submissions from 2 submitters: Uncertain significance (2). Last evaluated 2025-09-07.

Allele frequency attached by ClinVar (database versions not stated): gnomAD exomes 0.00001; gnomAD 0.00002; TOPMed 0.00002.
gnomAD v4.1: 18 of 1,552,014 alleles (0.0012%); highest among the groups gnomAD compares: Admixed American, 0.002%; no homozygotes.

Submissions (2):

Labcorp Genetics (formerly Invitae), Labcorp
Classification: Uncertain significance. Last evaluated: 2025-09-07. Review status: criteria provided, single submitter. Criteria: Invitae Variant Classification Sherloc (09022015). Collection method: clinical testing. Allele origin: germline.
Comment: This sequence change replaces aspartic acid, which is acidic and polar, with asparagine, which is neutral and polar, at codon 548 of the ZSWIM6 protein (p.Asp548Asn). This variant is present in population databases (no rsID available, gnomAD 0.004%). This variant has not been reported in the literature in individuals affected with ZSWIM6-related conditions. ClinVar contains an entry for this variant (Variation ID: 1387278). An algorithm developed to predict the effect of missense changes on protein structure and function (PolyPhen-2) suggests that this variant is likely to be tolerated. In summary, the available evidence is currently insufficient to determine the role of this variant in disease. Therefore, it has been classified as a Variant of Uncertain Significance.

CeGaT Center for Human Genetics Tuebingen
Classification: Uncertain significance. Last evaluated: 2023-06-01. Review status: criteria provided, single submitter. Criteria: CeGaT Center For Human Genetics Tuebingen Variant Classification Criteria Version 2. Collection method: clinical testing. Allele origin: germline. Affected: yes. Observed: 1 variant allele.
Comment: ZSWIM6: PP2

NM_020928.2(ZSWIM6):c.1642G>A (p.Asp548Asn)

Gene: ZSWIM6 (zinc finger SWIM-type containing 6; plus strand). Cytogenetic location: 5q12.1.
Variant type: single nucleotide variant.
Coding change: c.1642G>A on transcript NM_020928.2 (MANE Select); coding-DNA position 1642, G replaced by A.
Protein change: p.Asp548Asn; replaces aspartic acid 548 with asparagine.
Molecular consequence: missense variant.
Genome position (GRCh38, 1-based): chr5:61,525,928, G>A. VCF-style: chr5-61525928-G-A. GRCh37 (hg19) VCF-style: chr5-60821755-G-A.
Other names: short protein forms D548N.
Identifiers: ClinVar variation 1387278 (VCV001387278.31), dbSNP rs993411395, ClinGen allele CA119662494.